The following is an entry in ClinVar:

NM_007294.4(BRCA1):c.893_894del (p.Asn298fs)

Gene: BRCA1 (BRCA1 DNA repair associated; minus strand). Cytogenetic location: 17q21.31.
Variant type: Deletion.
Coding change: c.893_894del on transcript NM_007294.4 (MANE Select); coding-DNA positions 893 to 894, 2 bases deleted (AT; older notation c.893_894delAT).
Protein change: p.Asn298fs; shifts the reading frame from asparagine 298.
Molecular consequence: frameshift variant. On other transcripts: intron variant (137).
Genome position (GRCh38, 1-based): chr17:43,094,637-43,094,638, AT deleted on the plus strand (AT on the coding strand, the reverse complement: BRCA1 is on the minus strand). VCF-style (leftmost placement, unchanged base first): chr17-43094636-CAT-C. GRCh37 (hg19) VCF-style: chr17-41246653-CAT-C.
Other names: c.406+106_406+107del (NM_001408510.1); c.5_6del, p.Asn2fs (NM_001407967.1, NM_001407966.1); c.389_390del, p.Asn130fs (NM_001407965.1); c.890_891del, p.Asn297fs (NM_001407628.1, NM_001407627.1, NM_001407587.1 and 22 more transcripts); c.893_894del, p.Asn298fs (NM_001407624.1, NM_001407625.1, NM_007300.4 and 30 more transcripts); c.752_753del, p.Asn251fs (NM_007297.4, NM_001407692.1, NM_001407694.1 and 29 more transcripts); c.646+106_646+107del (NM_001408458.1, NM_001408453.1, NM_001408461.1 and 11 more transcripts); c.283+106_283+107del (NM_001408512.1); and 40 more; short protein forms N251fs, N298fs, N210fs, N227fs, N230fs, N250fs, N257fs, N130fs.
Identifiers: ClinVar variation 531256 (VCV000531256.8), dbSNP rs1555592891, ClinGen allele CA658798855.

ClinVar aggregate classification (germline): Pathogenic (1 of 4 stars; one submission).

Conditions:
Hereditary breast ovarian cancer syndrome. Also called: Hereditary breast and ovarian cancer syndrome (HBOC); BRCA1- and BRCA2-Associated Hereditary Breast and Ovarian Cancer; Hereditary breast and ovarian cancer syndrome; Breast and ovarian cancer; Hereditary breast and ovarian cancer; Hereditary breast and/or ovarian cancer syndrome. Identifiers: Orphanet 145, MedGen C0677776, MeSH D061325, MONDO:0003582. Disease mechanism: loss of function.

Submission:

Labcorp Genetics (formerly Invitae), Labcorp
Classification: Pathogenic for Hereditary breast ovarian cancer syndrome. Last evaluated: 2017-12-01. Review status: criteria provided, single submitter. Criteria: Invitae Variant Classification Sherloc (09022015). Collection method: clinical testing. Allele origin: germline.
Comment: For these reasons, this variant has been classified as Pathogenic. Loss-of-function variants in BRCA1 are known to be pathogenic (PMID: 20104584). This variant has not been reported in the literature in individuals with BRCA1-related disease. This variant is not present in population databases (ExAC no frequency). This sequence change creates a premature translational stop signal (p.Asn298Serfs*5) in the BRCA1 gene. It is expected to result in an absent or disrupted protein product.

Literature cited by the submitters: PubMed 20104584.